The following is an entry in ClinVar:

ClinVar aggregate classification (germline): Uncertain significance (1 of 4 stars; one submission).

gnomAD v4.1: 19 of 1,209,881 alleles (0.0016%); highest among the groups gnomAD compares: Non-Finnish European, 0.0021%; no homozygotes.

Submission:

GeneDx
Classification: Uncertain significance. Last evaluated: 2019-11-04. Review status: criteria provided, single submitter. Criteria: GeneDx Variant Classification Process June 2021. Collection method: clinical testing. Allele origin: germline. Affected: yes.
Comment: Not observed in large population cohorts (Lek et al., 2016); In silico analysis, which includes splice predictors and evolutionary conservation, supports that this variant does not alter protein structure/function; Has not been previously published as pathogenic or benign to our knowledge

NM_001256789.3(CACNA1F):c.3438+5C>A

Gene: CACNA1F (calcium voltage-gated channel subunit alpha1 F; minus strand). Cytogenetic location: Xp11.23.
Variant type: single nucleotide variant.
Coding change: c.3438+5C>A on transcript NM_001256789.3 (MANE Select); 5 bases into the intron after coding-DNA position 3438, C replaced by A.
Molecular consequence: intron variant.
Genome position (GRCh38, 1-based): chrX:49,215,337, G>T on the plus strand (C>A on the coding strand, the complement: CACNA1F is on the minus strand). VCF-style: chrX-49215337-G-T. GRCh37 (hg19) VCF-style: chrX-49071797-G-T.
Other names: c.3471+5C>A (NM_005183.4); c.3276+5C>A (NM_001256790.3).
Identifiers: ClinVar variation 1309674 (VCV001309674.2), dbSNP rs2147902751, ClinGen allele CA2573055351.